The following is an entry in ClinVar:

ClinVar aggregate classification (germline): Uncertain significance. Review status: criteria provided, multiple submitters, no conflicts (2 of 4 stars). 4 submissions from 4 submitters: Uncertain significance (3). 1 of the submissions does not count toward it. Last evaluated 2022-05-12.

Conditions:
Charcot-Marie-Tooth disease type 4D. Also called: CHARCOT-MARIE-TOOTH DISEASE, DEMYELINATING, AUTOSOMAL RECESSIVE, TYPE 4D; Charcot-Marie-Tooth Neuropathy Type 4D; NEUROPATHY, HEREDITARY MOTOR AND SENSORY, LOM TYPE; CHARCOT-MARIE-TOOTH DISEASE, DEMYELINATING, TYPE 4D. Identifiers: Orphanet 99950, MedGen C1832334, MONDO:0011085, OMIM 601455.
Charcot-Marie-Tooth disease type 4. Also called: Charcot-Marie-Tooth, Type 4; Charcot-Marie-Tooth disease, type IV. Identifiers: Orphanet 64749, MedGen C4082197, MONDO:0018995.

Allele frequency attached by ClinVar (database versions not stated): gnomAD 0.00004; gnomAD exomes 0.00005 and 0.00011; TOPMed 0.00005; ESP Exome Variant Server 0.00008; ExAC 0.00013.
gnomAD v4.1: 88 of 1,613,606 alleles (0.0055%); highest among the groups gnomAD compares: South Asian, 0.023%; no homozygotes.

Submissions (4):

Labcorp Genetics (formerly Invitae), Labcorp
Classification: Uncertain significance for Charcot-Marie-Tooth disease type 4. Last evaluated: 2022-05-12. Review status: criteria provided, single submitter. Criteria: Invitae Variant Classification Sherloc (09022015). Collection method: clinical testing. Allele origin: germline.
Comment: This sequence change replaces glycine, which is neutral and non-polar, with serine, which is neutral and polar, at codon 102 of the NDRG1 protein (p.Gly102Ser). This variant is present in population databases (rs200433822, gnomAD 0.2%). This variant has not been reported in the literature in individuals affected with NDRG1-related conditions. ClinVar contains an entry for this variant (Variation ID: 476846). Algorithms developed to predict the effect of missense changes on protein structure and function output the following: SIFT: "Tolerated"; PolyPhen-2: "Benign"; Align-GVGD: "Class C0". The serine amino acid residue is found in multiple mammalian species, which suggests that this missense change does not adversely affect protein function. In summary, the available evidence is currently insufficient to determine the role of this variant in disease. Therefore, it has been classified as a Variant of Uncertain Significance.

Illumina Laboratory Services, Illumina
Classification: Uncertain significance for Charcot-Marie-Tooth disease type 4D. Last evaluated: 2017-04-27. Review status: criteria provided, single submitter. Criteria: ICSL Variant Classification Criteria 13 December 2019. Collection method: clinical testing. Allele origin: germline.
Comment: This variant was observed as part of a predisposition screen in an ostensibly healthy population. A literature search was performed for the gene, cDNA change, and amino acid change (where applicable). Publications were found based on this search. However, the evidence from the literature, in combination with allele frequency data from public databases where available, was not sufficient to rule this variant in or out of causing disease. Therefore, this variant is classified as a variant of unknown significance.

Breakthrough Genomics
Classification: Uncertain significance. Review status: criteria provided, single submitter. Criteria: ACMG Guidelines, 2015. Collection method: not provided. Allele origin: germline. Inheritance: Autosomal recessive inheritance. Affected: yes.

Natera, Inc.
Classification: Uncertain significance for Charcot-Marie-Tooth disease type 4. Last evaluated: 2020-09-16. Review status: no assertion criteria provided. Collection method: clinical testing. Allele origin: germline. Not counted in ClinVar's aggregate classification.

Literature cited by the submitters: PubMed 26002053 (cited by Illumina Laboratory Services, Illumina).

NM_006096.4(NDRG1):c.304G>A (p.Gly102Ser)

Gene: NDRG1 (N-myc downstream regulated 1; minus strand). Cytogenetic location: 8q24.22.
Variant type: single nucleotide variant.
Coding change: c.304G>A on transcript NM_006096.4 (MANE Select); coding-DNA position 304, G replaced by A.
Protein change: p.Gly102Ser; replaces glycine 102 with serine.
Molecular consequence: missense variant.
Genome position (GRCh38, 1-based): chr8:133,262,069, C>T on the plus strand (G>A on the coding strand, the complement: NDRG1 is on the minus strand). VCF-style: chr8-133262069-C-T. GRCh37 (hg19) VCF-style: chr8-134274312-C-T.
Other names: c.304G>A, p.Gly102Ser (NM_001135242.2, NM_001374844.1, NM_001374845.1 and 1 more transcripts); c.106G>A, p.Gly36Ser (NM_001258432.2, NM_001374847.1); c.61G>A, p.Gly21Ser (NM_001258433.2); short protein forms G102S, G21S, G36S.
Identifiers: ClinVar variation 476846 (VCV000476846.9), dbSNP rs200433822, ClinGen allele CA4886830.
Genomic context (GRCh38, chr8:133,262,069, plus strand): 5'-TCCACCCTGTAGAGCTCATAGGGCAAGAGGCCTCTCACCCTGCGGGGAAGGAGGCTGCGC[C>T]GTCCTGCTGGCCAGGGGCGTCCACGTGGCAGACGGCAAAGTGCTGGGTGATCTCCTGCAT-3'
Protein context (NP_006087.2, residues 92-112): CHVDAPGQQD[Gly102Ser]AASFPAGYMY